The following is an entry in ClinVar:

NM_006734.4(HIVEP2):c.632A>G (p.His211Arg)

Gene: HIVEP2 (HIVEP zinc finger 2; minus strand). Cytogenetic location: 6q24.2.
Variant type: single nucleotide variant.
Coding change: c.632A>G on transcript NM_006734.4 (MANE Select); coding-DNA position 632, A replaced by G.
Protein change: p.His211Arg; replaces histidine 211 with arginine.
Molecular consequence: missense variant.
Genome position (GRCh38, 1-based): chr6:142,774,107, T>C on the plus strand (A>G on the coding strand, the complement: HIVEP2 is on the minus strand). VCF-style: chr6-142774107-T-C. GRCh37 (hg19) VCF-style: chr6-143095244-T-C.
Other names: c.632A>G, p.His211Arg (NM_001438449.1, NM_001438450.1, NM_001438451.1); short protein forms H211R.
Identifiers: ClinVar variation 4738493 (VCV004738493.1).

ClinVar aggregate classification (germline): Uncertain significance (1 of 4 stars; one submission).

Submission:

Labcorp Genetics (formerly Invitae), Labcorp
Classification: Uncertain significance. Last evaluated: 2025-11-12. Review status: criteria provided, single submitter. Criteria: Invitae Variant Classification Sherloc (09022015). Collection method: clinical testing. Allele origin: germline.
Comment: This sequence change replaces histidine, which is basic and polar, with arginine, which is basic and polar, at codon 211 of the HIVEP2 protein (p.His211Arg). This variant is not present in population databases (gnomAD no frequency). This variant has not been reported in the literature in individuals affected with HIVEP2-related conditions. Invitae Evidence Modeling of protein sequence and biophysical properties (such as structural, functional, and spatial information, amino acid conservation, physicochemical variation, residue mobility, and thermodynamic stability) indicates that this missense variant is expected to disrupt HIVEP2 protein function with a positive predictive value of 80%. In summary, the available evidence is currently insufficient to determine the role of this variant in disease. Therefore, it has been classified as a Variant of Uncertain Significance.